The following is an entry in ClinVar:

ClinVar aggregate classification (germline): Benign/Likely benign. Review status: criteria provided, multiple submitters, no conflicts (2 of 4 stars). 2 submissions from 2 submitters: Benign (1); Likely benign (1). Last evaluated 2024-10-18.

Allele frequency attached by ClinVar (database versions not stated): gnomAD 0.00150 and 0.00155; TOPMed 0.00153; ESP Exome Variant Server 0.00192; 1000 Genomes Project 0.00200; 1000 Genomes Project 30x 0.00250.
gnomAD v4.1: 432 of 1,605,146 alleles (0.027%); highest among the groups gnomAD compares: African/African-American, 0.54%; 2 homozygotes.

Submissions (2):

Blueprint Genetics
Classification: Likely benign. Last evaluated: 2024-10-18. Review status: criteria provided, single submitter. Criteria: ACMG Guidelines, 2015. Collection method: clinical testing. Allele origin: germline.

GeneDx
Classification: Benign. Last evaluated: 2015-01-23. Review status: criteria provided, single submitter. Criteria: GeneDx Variant Classification (06012015). Collection method: clinical testing. Allele origin: germline. Affected: yes.
Comment: This variant is considered likely benign or benign based on one or more of the following criteria: it is a conservative change, it occurs at a poorly conserved position in the protein, it is predicted to be benign by multiple in silico algorithms, and/or has population frequency not consistent with disease.

NM_012062.5(DNM1L):c.-14G>A

Gene: DNM1L (dynamin 1L; plus strand). Cytogenetic location: 12p11.21.
Variant type: single nucleotide variant.
Coding change: c.-14G>A on transcript NM_012062.5 (MANE Select); 14 bases upstream of the start codon, G replaced by A.
Molecular consequence: 5 prime UTR variant.
Genome position (GRCh38, 1-based): chr12:32,679,350, G>A. VCF-style: chr12-32679350-G-A. GRCh37 (hg19) VCF-style: chr12-32832284-G-A.
Other names: c.-14G>A (NM_001278463.2, NM_001278464.2, NM_001278465.2 and 3 more transcripts); c.-219G>A (NM_001278466.2).
Identifiers: ClinVar variation 214307 (VCV000214307.2), dbSNP rs201968952, ClinGen allele CA324558.